The following is an entry in ClinVar:

ClinVar aggregate classification (germline): Uncertain significance. Review status: criteria provided, single submitter (1 of 4 stars). 2 submissions from 2 submitters: Uncertain significance (1). 1 of the submissions does not count toward it. Last evaluated 2017-09-27.

Conditions:
Walker-Warburg congenital muscular dystrophy. Also called: Muscular dystrophy-dystroglycanopathy, type A; Walker-Warburg syndrome. Identifiers: Orphanet 899, MedGen C0265221, MONDO:0000171.

Allele frequency attached by ClinVar (database versions not stated): gnomAD 0.00001; TOPMed 0.00001; gnomAD exomes below 0.00001.
gnomAD v4.1: 4 of 1,614,040 alleles (0.00025%); highest among the groups gnomAD compares: African/African-American, 0.0013%; no homozygotes.

Submissions (2):

Labcorp Genetics (formerly Invitae), Labcorp
Classification: Uncertain significance for Walker-Warburg congenital muscular dystrophy. Last evaluated: 2017-09-27. Review status: criteria provided, single submitter. Criteria: Invitae Variant Classification Sherloc (09022015). Collection method: clinical testing. Allele origin: germline.
Comment: In summary, the available evidence is currently insufficient to determine the role of this variant in disease. Therefore, it has been classified as a Variant of Uncertain Significance. Algorithms developed to predict the effect of missense changes on protein structure and function do not agree on the potential impact of this missense change (SIFT: "Deleterious"; PolyPhen-2: "Benign"; Align-GVGD: "Class C0"). This variant has not been reported in the literature in individuals with FKTN-related disease. This variant is not present in population databases (ExAC no frequency). This sequence change replaces isoleucine with methionine at codon 163 of the FKTN protein (p.Ile163Met). The isoleucine residue is weakly conserved and there is a small physicochemical difference between isoleucine and methionine.

Natera, Inc.
Classification: Uncertain significance for Walker-Warburg congenital muscular dystrophy. Last evaluated: 2025-02-18. Review status: no assertion criteria provided. Collection method: clinical testing. Allele origin: germline. Not counted in ClinVar's aggregate classification.

NM_001079802.2(FKTN):c.489C>G (p.Ile163Met)

Gene: FKTN (fukutin; plus strand). Cytogenetic location: 9q31.2.
Variant type: single nucleotide variant.
Coding change: c.489C>G on transcript NM_001079802.2 (MANE Select); coding-DNA position 489, C replaced by G.
Protein change: p.Ile163Met; replaces isoleucine 163 with methionine.
Molecular consequence: missense variant. On other transcripts: non-coding transcript variant (2).
Genome position (GRCh38, 1-based): chr9:105,604,334, C>G. VCF-style: chr9-105604334-C-G. GRCh37 (hg19) VCF-style: chr9-108366615-C-G.
Other names: c.489C>G, p.Ile163Met (NM_001198963.2, NM_001351496.2, NM_001351498.2 and 1 more transcripts); c.420C>G, p.Ile140Met (NM_001351497.2); c.93C>G, p.Ile31Met (NM_001351499.2, NM_001351500.2, NM_001351501.2 and 1 more transcripts); short protein forms I163M, I31M, I140M.
Identifiers: ClinVar variation 528813 (VCV000528813.9), dbSNP rs980208971, ClinGen allele CA197437673.
Genomic context (GRCh38, chr9:105,604,334, plus strand): 5'-AGATCCCCGGCTAGACGGGATAGACTCACTCTCTGGAACTGAAATCCCCCTGCACTATAT[C>G]TGCAAACTGGCCACTCATGCGATCCACTTGGTAGTCTTTCATGAGAGGAGTGGCAACTAC-3'
Protein context (NP_001073270.1, residues 153-173): LSGTEIPLHY[Ile163Met]CKLATHAIHL